The following is an entry in ClinVar:

NM_206933.4(USH2A):c.8537A>G (p.Lys2846Arg)

Gene: USH2A (usherin; minus strand). Cytogenetic location: 1q41.
Variant type: single nucleotide variant.
Coding change: c.8537A>G on transcript NM_206933.4 (MANE Select); coding-DNA position 8537, A replaced by G.
Protein change: p.Lys2846Arg; replaces lysine 2846 with arginine.
Molecular consequence: missense variant.
Genome position (GRCh38, 1-based): chr1:215,878,785, T>C on the plus strand (A>G on the coding strand, the complement: USH2A is on the minus strand). VCF-style: chr1-215878785-T-C. GRCh37 (hg19) VCF-style: chr1-216052127-T-C.
Other names: short protein forms K2846R.
Identifiers: ClinVar variation 841806 (VCV000841806.12), dbSNP rs1664835856, ClinGen allele CA344830245.

ClinVar aggregate classification (germline): Uncertain significance. Review status: criteria provided, multiple submitters, no conflicts (2 of 4 stars). 2 submissions from 2 submitters: Uncertain significance (2). Last evaluated 2025-03-19.

Allele frequency attached by ClinVar (database versions not stated): gnomAD exomes below 0.00001.
gnomAD v4.1: 1 of 1,613,988 alleles (0.000062%); highest among the groups gnomAD compares: South Asian, 0.0011%; no homozygotes.

Submissions (2):

Labcorp Genetics (formerly Invitae), Labcorp
Classification: Uncertain significance. Last evaluated: 2025-03-19. Review status: criteria provided, single submitter. Criteria: Invitae Variant Classification Sherloc (09022015). Collection method: clinical testing. Allele origin: germline.
Comment: This sequence change replaces lysine, which is basic and polar, with arginine, which is basic and polar, at codon 2846 of the USH2A protein (p.Lys2846Arg). This variant is not present in population databases (gnomAD no frequency). This variant has not been reported in the literature in individuals affected with USH2A-related conditions. ClinVar contains an entry for this variant (Variation ID: 841806). Invitae Evidence Modeling of protein sequence and biophysical properties (such as structural, functional, and spatial information, amino acid conservation, physicochemical variation, residue mobility, and thermodynamic stability) indicates that this missense variant is not expected to disrupt USH2A protein function with a negative predictive value of 95%. In summary, the available evidence is currently insufficient to determine the role of this variant in disease. Therefore, it has been classified as a Variant of Uncertain Significance.

Blueprint Genetics
Classification: Uncertain significance. Last evaluated: 2021-06-24. Review status: criteria provided, single submitter. Criteria: ACMG Guidelines, 2015. Collection method: clinical testing. Allele origin: germline.